The following is an entry in ClinVar:

NM_014795.4(ZEB2):c.370G>A (p.Ala124Thr)

Gene: ZEB2 (zinc finger E-box binding homeobox 2; minus strand). Cytogenetic location: 2q22.3.
Variant type: single nucleotide variant.
Coding change: c.370G>A on transcript NM_014795.4 (MANE Select); coding-DNA position 370, G replaced by A.
Protein change: p.Ala124Thr; replaces alanine 124 with threonine.
Molecular consequence: missense variant. On other transcripts: intron variant (1).
Genome position (GRCh38, 1-based): chr2:144,424,829, C>T on the plus strand (G>A on the coding strand, the complement: ZEB2 is on the minus strand). VCF-style: chr2-144424829-C-T. GRCh37 (hg19) VCF-style: chr2-145182396-C-T.
Other names: c.331+4940G>A (NM_001171653.2); short protein forms A124T.
Identifiers: ClinVar variation 1043958 (VCV001043958.8), dbSNP rs1703670666, ClinGen allele CA348717396.
Genomic context (GRCh38, chr2:144,424,829, plus strand): 5'-GATCTGAGCGTGGCCAACATAACTCACCTGTACCATTGTTAATTGCGGTCTGGATCGTGG[C>T]TTCTGGCCCCATAGTGTCATAGTCTTCCTTCATTTCTTCTGTGGGGGAAAATTATCTTTA-3'
Protein context (NP_055610.1, residues 114-134): KEDYDTMGPE[Ala124Thr]TIQTAINNGT

ClinVar aggregate classification (germline): Uncertain significance (1 of 4 stars; one submission).

Conditions:
Mowat-Wilson syndrome (MOWS). Also called: Classic Mowat-Wilson Syndrome. Identifiers: Orphanet 2152, MedGen C1856113, MONDO:0009341, OMIM 235730.

Submission:

Labcorp Genetics (formerly Invitae), Labcorp
Classification: Uncertain significance for Mowat-Wilson syndrome. Last evaluated: 2023-06-05. Review status: criteria provided, single submitter. Criteria: Invitae Variant Classification Sherloc (09022015). Collection method: clinical testing. Allele origin: germline.
Comment: In summary, the available evidence is currently insufficient to determine the role of this variant in disease. Therefore, it has been classified as a Variant of Uncertain Significance. An algorithm developed to predict the effect of missense changes on protein structure and function (PolyPhen-2) suggests that this variant is likely to be tolerated. ClinVar contains an entry for this variant (Variation ID: 1043958). This variant has not been reported in the literature in individuals affected with ZEB2-related conditions. This variant is not present in population databases (gnomAD no frequency). This sequence change replaces alanine, which is neutral and non-polar, with threonine, which is neutral and polar, at codon 124 of the ZEB2 protein (p.Ala124Thr).